The following is an entry in ClinVar:

NM_015450.3(POT1):c.1532C>T (p.Ser511Phe)

Gene: POT1 (protection of telomeres 1; minus strand). Cytogenetic location: 7q31.33.
Variant type: single nucleotide variant.
Coding change: c.1532C>T on transcript NM_015450.3 (MANE Select); coding-DNA position 1532, C replaced by T.
Protein change: p.Ser511Phe; replaces serine 511 with phenylalanine.
Molecular consequence: missense variant. On other transcripts: non-coding transcript variant (2).
Genome position (GRCh38, 1-based): chr7:124,829,316, G>A on the plus strand (C>T on the coding strand, the complement: POT1 is on the minus strand). VCF-style: chr7-124829316-G-A. GRCh37 (hg19) VCF-style: chr7-124469370-G-A.
Other names: c.1139C>T, p.Ser380Phe (NM_001042594.2); short protein forms S511F, S380F.
Identifiers: ClinVar variation 486152 (VCV000486152.11), dbSNP rs1554416456, ClinGen allele CA369064580.

ClinVar aggregate classification (germline): Uncertain significance. Review status: criteria provided, multiple submitters, no conflicts (2 of 4 stars). 2 submissions from 2 submitters: Uncertain significance (2). Last evaluated 2024-12-12.

Conditions:
Tumor predisposition syndrome 3 (TPDS3). Also called: Glioma susceptibility 9; LONG TELOMERE SYNDROME, POT1-RELATED; POT1 Tumor Predisposition; Melanoma, cutaneous malignant, susceptibility to, 10. Identifiers: Orphanet 618, MedGen C4014476, MONDO:0014368, OMIM 615848.
Hereditary cancer-predisposing syndrome. Also called: Hereditary neoplastic syndrome; Hereditary Cancer Syndrome; Neoplastic Syndromes, Hereditary; Tumor predisposition. Identifiers: Orphanet 140162, MedGen C0027672, MeSH D009386, MONDO:0015356.

Submissions (2):

Labcorp Genetics (formerly Invitae), Labcorp
Classification: Uncertain significance for Tumor predisposition syndrome 3. Last evaluated: 2024-12-12. Review status: criteria provided, single submitter. Criteria: Invitae Variant Classification Sherloc (09022015). Collection method: clinical testing. Allele origin: germline.
Comment: This sequence change replaces serine, which is neutral and polar, with phenylalanine, which is neutral and non-polar, at codon 511 of the POT1 protein (p.Ser511Phe). This variant is not present in population databases (gnomAD no frequency). This variant has not been reported in the literature in individuals affected with POT1-related conditions. ClinVar contains an entry for this variant (Variation ID: 486152). Invitae Evidence Modeling of protein sequence and biophysical properties (such as structural, functional, and spatial information, amino acid conservation, physicochemical variation, residue mobility, and thermodynamic stability) indicates that this missense variant is not expected to disrupt POT1 protein function with a negative predictive value of 80%. Algorithms developed to predict the effect of sequence changes on RNA splicing suggest that this variant may disrupt the consensus splice site. In summary, the available evidence is currently insufficient to determine the role of this variant in disease. Therefore, it has been classified as a Variant of Uncertain Significance.

Ambry Genetics
Classification: Uncertain significance for Hereditary cancer-predisposing syndrome. Last evaluated: 2017-06-19. Review status: criteria provided, single submitter. Criteria: Ambry Variant Classification Scheme 2023. Collection method: clinical testing. Allele origin: germline.
Comment: The p.S511F variant (also known as c.1532C>T), located in coding exon 12 of the POT1 gene, results from a C to T substitution at nucleotide position 1532. The serine at codon 511 is replaced by phenylalanine, an amino acid with highly dissimilar properties. This amino acid position is poorly conserved in available vertebrate species. In addition, this alteration is predicted to be tolerated by in silico analysis. Since supporting evidence is limited at this time, the clinical significance of this alteration remains unclear.